The following is an entry in ClinVar:

NM_015665.6(AAAS):c.1222G>C (p.Gly408Arg)

Gene: AAAS (aladin WD repeat nucleoporin; minus strand). Cytogenetic location: 12q13.13.
Variant type: single nucleotide variant.
Coding change: c.1222G>C on transcript NM_015665.6 (MANE Select); coding-DNA position 1222, G replaced by C.
Protein change: p.Gly408Arg; replaces glycine 408 with arginine.
Molecular consequence: missense variant.
Genome position (GRCh38, 1-based): chr12:53,308,309, C>G on the plus strand (G>C on the coding strand, the complement: AAAS is on the minus strand). VCF-style: chr12-53308309-C-G. GRCh37 (hg19) VCF-style: chr12-53702093-C-G.
Other names: c.1123G>C, p.Gly375Arg (NM_001173466.2); short protein forms G375R, G408R.
Identifiers: ClinVar variation 4879879 (VCV004879879.1).
Genomic context (GRCh38, chr12:53,308,309, plus strand): 5'-CTGTGGGCTGAGCCCTTCATCCTTGCCTCTCACCTTTCATAAGCACAGCCAGACGTTCCC[C>G]ACTGGGGTCCCAGACCATGGAGTGAGCCTCTCCCCCAAGCCTGTGGGTAAGGACAGGTTA-3'
Protein context (NP_056480.1, residues 398-418): EAHSMVWDPS[Gly408Arg]ERLAVLMKGK

ClinVar aggregate classification (germline): Likely pathogenic (1 of 4 stars; one submission).

Conditions:
Glucocorticoid deficiency with achalasia (AAAS). Also called: ALACRIMA-ACHALASIA-ADRENAL INSUFFICIENCY NEUROLOGIC DISORDER; AAA syndrome; Allgrove syndrome; Addisonian achalasia syndrome; Achalasia-addisonianism-alacrimia syndrome; Achalasia-Addisonianism-Alacrima (Triple-A) Syndrome. Identifiers: Orphanet 869, MedGen C0271742, MONDO:0009279, OMIM 231550.

Submission:

Genetics Research Center, University of Social Welfare and Rehabilitation Sciences
Classification: Likely pathogenic for Glucocorticoid deficiency with achalasia. Last evaluated: 2026-07-28. Review status: criteria provided, single submitter. Criteria: ACMG Guidelines, 2015. Collection method: clinical testing. Allele origin: germline. Inheritance: Autosomal recessive inheritance. Affected: yes. Observed: 1 variant allele, 1 homozygote.
Comment: The variant causes a missense change involving the alteration of a moderately conserved nucleotide (PhyloP100: 6.94). The variant is absent from the gnomAD population database. In silico tools predict a damaging outcome for this variant (REVEL = 0.89). The variant was segregated with the disease in two unrelated families with a similar phenotype. Overall, the variant meets PM2, PP1 and PP3 ACMG criteria.